The following is an entry in ClinVar:

NM_019892.6(INPP5E):c.813-9C>A

Gene: INPP5E (inositol polyphosphate-5-phosphatase E; minus strand). Cytogenetic location: 9q34.3.
Variant type: single nucleotide variant.
Coding change: c.813-9C>A on transcript NM_019892.6 (MANE Select); 9 bases into the intron before coding-DNA position 813, C replaced by A.
Molecular consequence: intron variant.
Genome position (GRCh38, 1-based): chr9:136,434,872, G>T on the plus strand (C>A on the coding strand, the complement: INPP5E is on the minus strand). VCF-style: chr9-136434872-G-T. GRCh37 (hg19) VCF-style: chr9-139329324-G-T.
Other names: c.813-9C>A (NM_001318502.2, NM_019892.5).
Identifiers: ClinVar variation 798257 (VCV000798257.12), dbSNP rs771055995, ClinGen allele CA5337063.

ClinVar aggregate classification (germline): Conflicting classifications of pathogenicity. Review status: criteria provided, conflicting classifications (1 of 4 stars). 3 submissions from 3 submitters: Uncertain significance (1); Likely benign (2). Last evaluated 2025-10-02.

Conditions:
INPP5E-related disorder. Also called: INPP5E-related condition.
Joubert syndrome. Also called: Familial aplasia of the vermis; JOUBERT-BOLTSHAUSER SYNDROME. Identifiers: Orphanet 475, MedGen C5979921, MONDO:0018772.

Allele frequency attached by ClinVar (database versions not stated): ExAC 0.00004; TOPMed 0.00004; gnomAD 0.00013.
gnomAD v4.1: 57 of 1,602,948 alleles (0.0036%); highest among the groups gnomAD compares: Non-Finnish European, 0.00077%; no homozygotes.

Submissions (3):

Labcorp Genetics (formerly Invitae), Labcorp
Classification: Likely benign for Joubert syndrome. Last evaluated: 2025-10-02. Review status: criteria provided, single submitter. Criteria: Invitae Variant Classification Sherloc (09022015). Collection method: clinical testing. Allele origin: germline.

PreventionGenetics, part of Exact Sciences
Classification: Likely benign for INPP5E-related condition. Last evaluated: 2025-04-30. Review status: criteria provided, single submitter. Criteria: ACMG Guidelines, 2015. Collection method: clinical testing. Allele origin: germline.
Comment: This variant is classified as likely benign based on ACMG/AMP sequence variant interpretation guidelines (Richards et al. 2015 PMID: 25741868, with internal and published modifications).

Blueprint Genetics
Classification: Uncertain significance. Last evaluated: 2024-11-06. Review status: criteria provided, single submitter. Criteria: ACMG Guidelines, 2015. Collection method: clinical testing. Allele origin: germline.